The following is an entry in ClinVar:

ClinVar aggregate classification (germline): Pathogenic. Review status: criteria provided, single submitter (1 of 4 stars). 2 submissions from 2 submitters: Pathogenic (1). 1 of the submissions does not count toward it. Last evaluated 2024-10-16.

Conditions:
Intellectual developmental disorder with autism and macrocephaly. Also called: CHD8-Related Neurodevelopmental Disorder with Overgrowth; Autism, susceptibility to, 18. Identifiers: Orphanet 642675, MedGen C3554373, MONDO:0014017, OMIM 615032.

Submissions (2):

Labcorp Genetics (formerly Invitae), Labcorp
Classification: Pathogenic. Last evaluated: 2024-10-16. Review status: criteria provided, single submitter. Criteria: Invitae Variant Classification Sherloc (09022015). Collection method: clinical testing. Allele origin: germline.
Comment: This sequence change creates a premature translational stop signal (p.Glu2103Argfs*3) in the CHD8 gene. It is expected to result in an absent or disrupted protein product. Loss-of-function variants in CHD8 are known to be pathogenic (PMID: 24998929, 26789910). This variant is not present in population databases (gnomAD no frequency). This premature translational stop signal has been observed in individual(s) with autism (PMID: 23160955). For these reasons, this variant has been classified as Pathogenic.

OMIM
Classification: Pathogenic for INTELLECTUAL DEVELOPMENTAL DISORDER WITH AUTISM AND MACROCEPHALY. Last evaluated: 2012-12-21. Review status: no assertion criteria provided. Collection method: literature only. Allele origin: germline. Not counted in ClinVar's aggregate classification.

Literature cited by the submitters: PubMed 24998929 (cited by Labcorp Genetics (formerly Invitae), Labcorp); PubMed 26789910 (cited by Labcorp Genetics (formerly Invitae), Labcorp); PubMed 23160955 (cited by Labcorp Genetics (formerly Invitae), Labcorp and OMIM).

NM_001170629.2(CHD8):c.6307_6310del (p.Glu2103fs)

Gene: CHD8 (chromodomain helicase DNA binding protein 8; minus strand). Cytogenetic location: 14q11.2.
Variant type: Microsatellite.
Coding change: c.6307_6310del on transcript NM_001170629.2 (MANE Select); coding-DNA positions 6307 to 6310, 4 bases deleted (GAAG; older notation c.6307_6310delGAAG).
Protein change: p.Glu2103fs; shifts the reading frame from glutamic acid 2103.
Molecular consequence: frameshift variant.
Genome position (GRCh38, 1-based): chr14:21,393,485-21,393,488, CTTC deleted on the plus strand (GAAG on the coding strand, the reverse complement: CHD8 is on the minus strand); deleting any 4 consecutive bases within chr14:21,393,485-21,393,492 gives the same sequence; the c. name uses the placement nearest the transcript's 3' end. VCF-style (leftmost placement, unchanged base first): chr14-21393484-TCTTC-T. GRCh37 (hg19) VCF-style: chr14-21861643-TCTTC-T.
Other names: 4-BP DEL, CTTC; c.5470_5473del, p.Glu1824fs (NM_020920.4); short protein forms E1824fs, E2103fs.
Identifiers: ClinVar variation 39631 (VCV000039631.6), dbSNP rs1887639311, ClinGen allele CA658770505.